The following is an entry in ClinVar:

ClinVar aggregate classification (germline): Uncertain significance (1 of 4 stars; one submission).

Allele frequency attached by ClinVar (database versions not stated): gnomAD exomes 0.00001 and 0.00002; gnomAD 0.00002; TOPMed 0.00002; ExAC 0.00003.
gnomAD v4.1: 20 of 1,464,212 alleles (0.0014%); highest among the groups gnomAD compares: Non-Finnish European, 0.0018%; no homozygotes.

Submission:

Labcorp Genetics (formerly Invitae), Labcorp
Classification: Uncertain significance. Last evaluated: 2022-07-06. Review status: criteria provided, single submitter. Criteria: Invitae Variant Classification Sherloc (09022015). Collection method: clinical testing. Allele origin: germline.
Comment: This sequence change falls in intron 7 of the POLE2 gene. It does not directly change the encoded amino acid sequence of the POLE2 protein. This variant is present in population databases (rs759716369, gnomAD 0.004%). This variant has not been reported in the literature in individuals affected with POLE2-related conditions. ClinVar contains an entry for this variant (Variation ID: 1517970). Algorithms developed to predict the effect of sequence changes on RNA splicing suggest that this variant may create or strengthen a splice site. In summary, the available evidence is currently insufficient to determine the role of this variant in disease. Therefore, it has been classified as a Variant of Uncertain Significance.

NM_002692.4(POLE2):c.576+9A>G

Gene: POLE2 (DNA polymerase epsilon 2, accessory subunit; minus strand). Cytogenetic location: 14q21.3.
Variant type: single nucleotide variant.
Coding change: c.576+9A>G on transcript NM_002692.4 (MANE Select); 9 bases into the intron after coding-DNA position 576, A replaced by G.
Molecular consequence: intron variant.
Genome position (GRCh38, 1-based): chr14:49,666,321, T>C on the plus strand (A>G on the coding strand, the complement: POLE2 is on the minus strand). VCF-style: chr14-49666321-T-C. GRCh37 (hg19) VCF-style: chr14-50133039-T-C.
Other names: c.498+9A>G (NM_001197330.2); c.576+9A>G (NM_001348384.2, NM_001197331.3); c.345+9A>G (NM_001348385.2).
Identifiers: ClinVar variation 1517970 (VCV001517970.6), dbSNP rs759716369, ClinGen allele CA7173572.